The following is an entry in ClinVar:

ClinVar aggregate classification (germline): Uncertain significance (1 of 4 stars; one submission).

Conditions:
Cardiovascular phenotype. Identifiers: MedGen CN230736.

Allele frequency attached by ClinVar (database versions not stated): TOPMed below 0.00001.

Submission:

Ambry Genetics
Classification: Uncertain significance for Cardiovascular phenotype. Last evaluated: 2023-11-01. Review status: criteria provided, single submitter. Criteria: Ambry Variant Classification Scheme 2023. Collection method: clinical testing. Allele origin: germline.
Comment: The p.P625S variant (also known as c.1873C>T), located in coding exon 14 of the APOB gene, results from a C to T substitution at nucleotide position 1873. The proline at codon 625 is replaced by serine, an amino acid with similar properties. This amino acid position is conserved. In addition, this alteration is predicted to be tolerated by in silico analysis. Since supporting evidence is limited at this time, the clinical significance of this alteration remains unclear.

NM_000384.3(APOB):c.1873C>T (p.Pro625Ser)

Gene: APOB (apolipoprotein B; minus strand). Cytogenetic location: 2p24.1.
Variant type: single nucleotide variant.
Coding change: c.1873C>T on transcript NM_000384.3 (MANE Select); coding-DNA position 1873, C replaced by T.
Protein change: p.Pro625Ser; replaces proline 625 with serine.
Molecular consequence: missense variant.
Genome position (GRCh38, 1-based): chr2:21,028,022, G>A on the plus strand (C>T on the coding strand, the complement: APOB is on the minus strand). VCF-style: chr2-21028022-G-A. GRCh37 (hg19) VCF-style: chr2-21250894-G-A.
Other names: short protein forms P625S.
Identifiers: ClinVar variation 3231380 (VCV003231380.1), dbSNP rs1663780365, ClinGen allele CA346013848.